The following is an entry in ClinVar:

ClinVar aggregate classification (germline): Pathogenic/Likely pathogenic. Review status: criteria provided, multiple submitters, no conflicts (2 of 4 stars). 2 submissions from 2 submitters: Pathogenic (1); Likely pathogenic (1). Last evaluated 2021-12-01.

Submissions (2):

CeGaT Center for Human Genetics Tuebingen
Classification: Pathogenic. Last evaluated: 2021-12-01. Review status: criteria provided, single submitter. Criteria: CeGaT Center For Human Genetics Tuebingen Variant Classification Criteria Version 2. Collection method: clinical testing. Allele origin: germline. Affected: yes. Observed: 1 variant allele.

GeneDx
Classification: Likely pathogenic. Last evaluated: 2018-09-23. Review status: criteria provided, single submitter. Criteria: GeneDx Variant Classification (06012015). Collection method: clinical testing. Allele origin: germline. Affected: yes.
Comment: The c.1089_1090delTA variant in the LARP7 gene has not been reported previously as a pathogenic variant nor as a benign variant, to our knowledge. This variant causes a frameshift starting with codon Histidine 363, changes this amino acid to a Glutamine residue, and creates a premature Stop codon at position 5 of the new reading frame, denoted p.His363GlnfsX5. The c.1089_1090delTA variant is predicted to cause loss of normal protein function either through protein truncation or nonsense-mediated mRNA decay. This variant is not observed in large population cohorts (Lek et al., 2016). We interpret c.1089_1090delTA as a likely pathogenic variant.

NM_016648.4(LARP7):c.1089_1090del (p.His363fs)

Genes: LARP7 (La ribonucleoprotein 7, transcriptional regulator; plus strand), MIR302CHG (miR-302/367 cluster host gene; minus strand). Cytogenetic location: 4q25.
Variant type: Deletion.
Coding change: c.1089_1090del on transcript NM_016648.4 (MANE Select); coding-DNA positions 1089 to 1090, 2 bases deleted (TA; older notation c.1089_1090delTA).
Protein change: p.His363fs; shifts the reading frame from histidine 363.
Molecular consequence: frameshift variant.
Genome position (GRCh38, 1-based): chr4:112,647,781-112,647,782, TA deleted; deleting any 2 consecutive bases within chr4:112,647,780-112,647,782 gives the same sequence; the c. name uses the placement nearest the transcript's 3' end. VCF-style (leftmost placement, unchanged base first): chr4-112647779-CAT-C. GRCh37 (hg19) VCF-style: chr4-113568935-CAT-C.
Other names: c.1089_1090del, p.His363fs (NM_001267039.4, NM_001370978.1, NM_015454.3); c.1128_1129del, p.His376fs (NM_001370974.1, NM_001370975.1); c.1125_1126del, p.His375fs (NM_001370976.1, NM_001370977.1); c.1086_1087del, p.His362fs (NM_001370979.1, NM_001370980.1); c.852_853del, p.His284fs (NM_001370981.1, NM_001370982.1); short protein forms H362fs, H363fs, H284fs, H375fs, H376fs.
Identifiers: ClinVar variation 817225 (VCV000817225.36), dbSNP rs772451147, ClinGen allele CA3049383.
Genomic context (GRCh38, chr4:112,647,779, plus strand): 5'-GATACTGGAGATCTAAAAGATAGCTCTCTCTTGAAAACAAAAAGGAAACATAAGAAAAAA[CAT>C]AAAGAGAGACATAAAATGGGAGAAGAAGTTATACCATTAAGAGTGCTATCAAAGTAAGTC-3'